The following is an entry in ClinVar:

NM_001365951.3(KIF1B):c.5339A>T (p.Gln1780Leu)

Gene: KIF1B (kinesin family member 1B; plus strand). Cytogenetic location: 1p36.22.
Variant type: single nucleotide variant.
Coding change: c.5339A>T on transcript NM_001365951.3 (MANE Select); coding-DNA position 5339, A replaced by T.
Protein change: p.Gln1780Leu; replaces glutamine 1780 with leucine.
Molecular consequence: missense variant.
Genome position (GRCh38, 1-based): chr1:10,375,304, A>T. VCF-style: chr1-10375304-A-T. GRCh37 (hg19) VCF-style: chr1-10435362-A-T.
Other names: c.5339A>T, p.Gln1780Leu (NM_001365952.1); c.5201A>T, p.Gln1734Leu (NM_015074.3); short protein forms Q1734L, Q1780L.
Identifiers: ClinVar variation 3226542 (VCV003226542.1), dbSNP rs750222254, ClinGen allele CA582321.

ClinVar aggregate classification (germline): Uncertain significance (1 of 4 stars; one submission).

Allele frequency attached by ClinVar (database versions not stated): gnomAD exomes below 0.00001; ExAC 0.00001.
gnomAD v4.1: 1 of 1,613,962 alleles (0.000062%); highest among the groups gnomAD compares: South Asian, 0.0011%; no homozygotes.

Submission:

Ambry Genetics
Classification: Uncertain significance. Last evaluated: 2023-09-22. Review status: criteria provided, single submitter. Criteria: Ambry Variant Classification Scheme 2023. Collection method: clinical testing. Allele origin: germline.
Comment: The p.Q1734L variant (also known as c.5201A>T), located in coding exon 45 of the KIF1B gene, results from an A to T substitution at nucleotide position 5201. The glutamine at codon 1734 is replaced by leucine, an amino acid with dissimilar properties. This amino acid position is conserved. In addition, the in silico prediction for this alteration is inconclusive. Since supporting evidence is limited at this time, the clinical significance of this alteration remains unclear.